The following is an entry in ClinVar:

NM_001277083.2(POTEJ):c.1260T>C (p.Asn420=)

Gene: POTEJ (POTE ankyrin domain family member J; plus strand). Cytogenetic location: 2q21.1.
Variant type: single nucleotide variant.
Coding change: c.1260T>C on transcript NM_001277083.2 (MANE Select); coding-DNA position 1260, T replaced by C.
Protein change: p.Asn420=; no amino-acid change (asparagine 420 retained).
Molecular consequence: synonymous variant.
Genome position (GRCh38, 1-based): chr2:130,632,618, T>C. VCF-style: chr2-130632618-T-C. GRCh37 (hg19) VCF-style: chr2-131390191-T-C.
Identifiers: ClinVar variation 3771029 (VCV003771029.13).

ClinVar aggregate classification (germline): Likely benign (1 of 4 stars; one submission).

Submission:

CeGaT Center for Human Genetics Tuebingen
Classification: Likely benign. Last evaluated: 2025-01-01. Review status: criteria provided, single submitter. Criteria: CeGaT Center For Human Genetics Tuebingen Variant Classification Criteria Version 2. Collection method: clinical testing. Allele origin: germline. Affected: yes. Observed: 1 variant allele.
Comment: POTEJ: BP4, BP7